The following is an entry in ClinVar:

NM_002109.6(HARS1):c.728A>G (p.Lys243Arg)

Gene: HARS1 (histidyl-tRNA synthetase 1; minus strand). Cytogenetic location: 5q31.3.
Variant type: single nucleotide variant.
Coding change: c.728A>G on transcript NM_002109.6 (MANE Select); coding-DNA position 728, A replaced by G.
Protein change: p.Lys243Arg; replaces lysine 243 with arginine.
Molecular consequence: missense variant.
Genome position (GRCh38, 1-based): chr5:140,677,656, T>C on the plus strand (A>G on the coding strand, the complement: HARS1 is on the minus strand). VCF-style: chr5-140677656-T-C. GRCh37 (hg19) VCF-style: chr5-140057241-T-C.
Other names: c.728A>G (NM_002109.5, NM_002109.3); c.608A>G, p.Lys203Arg (NM_001258040.3); c.668A>G, p.Lys223Arg (NM_001258041.3); c.548A>G, p.Lys183Arg (NM_001258042.3); c.506A>G, p.Lys169Arg (NM_001289092.2); c.386A>G, p.Lys129Arg (NM_001289093.2); c.641A>G, p.Lys214Arg (NM_001289094.2); short protein forms K129R, K169R, K183R, K203R, K214R, K223R, K243R.
Identifiers: ClinVar variation 1010871 (VCV001010871.7), dbSNP rs1053173778, ClinGen allele CA128377466.

ClinVar aggregate classification (germline): Conflicting classifications of pathogenicity. Review status: criteria provided, conflicting classifications (1 of 4 stars). 4 submissions from 4 submitters: Uncertain significance (3); Likely benign (1). Last evaluated 2026-09-10.

Conditions:
Usher syndrome type 3B. Also called: USHER SYNDROME, TYPE IIIB. Identifiers: MedGen C3281066, MONDO:0013788, OMIM 614504.

Allele frequency attached by ClinVar (database versions not stated): gnomAD exomes 0.00001 and 0.00002; gnomAD 0.00001; TOPMed 0.00002.
gnomAD v4.1: 10 of 1,599,088 alleles (0.00063%); highest among the groups gnomAD compares: Admixed American, 0.0084%; no homozygotes.

Submissions (4):

Ambry Genetics
Classification: Likely benign. Last evaluated: 2026-09-10. Review status: criteria provided, single submitter. Criteria: Ambry Variant Classification Scheme 2023. Collection method: clinical testing. Allele origin: germline.

GeneDx
Classification: Uncertain significance. Last evaluated: 2026-04-01. Review status: criteria provided, single submitter. Criteria: GeneDx Variant Classification Process June 2021. Collection method: clinical testing. Allele origin: germline.
Comment: In silico analysis supports that this missense variant has a deleterious effect on protein structure/function; Has not been previously published as pathogenic or benign to our knowledge; In silico analysis suggests this variant may impact gene splicing. In the absence of RNA/functional studies, the actual effect of this sequence change is unknown.

Labcorp Genetics (formerly Invitae), Labcorp
Classification: Uncertain significance for Usher syndrome type 3B. Last evaluated: 2022-03-26. Review status: criteria provided, single submitter. Criteria: Invitae Variant Classification Sherloc (09022015). Collection method: clinical testing. Allele origin: germline.
Comment: This sequence change replaces lysine, which is basic and polar, with arginine, which is basic and polar, at codon 243 of the HARS protein (p.Lys243Arg). This variant is present in population databases (no rsID available, gnomAD 0.01%). This variant has not been reported in the literature in individuals affected with HARS-related conditions. ClinVar contains an entry for this variant (Variation ID: 1010871). Algorithms developed to predict the effect of missense changes on protein structure and function are either unavailable or do not agree on the potential impact of this missense change (SIFT: "Deleterious"; PolyPhen-2: "Benign"; Align-GVGD: "Class C0"). Algorithms developed to predict the effect of sequence changes on RNA splicing suggest that this variant may create or strengthen a splice site. In summary, the available evidence is currently insufficient to determine the role of this variant in disease. Therefore, it has been classified as a Variant of Uncertain Significance.

Blueprint Genetics
Classification: Uncertain significance. Last evaluated: 2020-09-30. Review status: criteria provided, single submitter. Criteria: ACMG Guidelines, 2015. Collection method: clinical testing. Allele origin: germline.